The following is an entry in ClinVar:

ClinVar aggregate classification (germline): Uncertain significance. Review status: criteria provided, multiple submitters, no conflicts (2 of 4 stars). 3 submissions from 3 submitters: Uncertain significance (3). Last evaluated 2026-06-12.

Conditions:
Hereditary cancer-predisposing syndrome. Also called: Hereditary Cancer Syndrome; Neoplastic Syndromes, Hereditary; Tumor predisposition; Hereditary neoplastic syndrome. Identifiers: Orphanet 140162, MedGen C0027672, MeSH D009386, MONDO:0015356.
Hereditary breast ovarian cancer syndrome. Also called: Hereditary breast and ovarian cancer syndrome (HBOC); Hereditary breast and/or ovarian cancer syndrome; BRCA1- and BRCA2-Associated Hereditary Breast and Ovarian Cancer; Hereditary breast and ovarian cancer; Breast and ovarian cancer; Hereditary breast and ovarian cancer syndrome. Identifiers: Orphanet 145, MedGen C0677776, MeSH D061325, MONDO:0003582. Disease mechanism: loss of function.

Submissions (3):

Ambry Genetics
Classification: Uncertain significance for Hereditary cancer-predisposing syndrome. Last evaluated: 2026-06-12. Review status: criteria provided, single submitter. Criteria: Ambry Variant Classification Scheme 2023. Collection method: clinical testing. Allele origin: germline.
Comment: The p.E100A variant (also known as c.299A>C), located in coding exon 4 of the BRCA1 gene, results from an A to C substitution at nucleotide position 299. The glutamic acid at codon 100 is replaced by alanine, an amino acid with dissimilar properties. This amino acid position is poorly conserved in available vertebrate species. In addition, the in silico prediction for this alteration is inconclusive. Based on the available evidence, the clinical significance of this variant remains unclear.

Labcorp Genetics (formerly Invitae), Labcorp
Classification: Uncertain significance for Hereditary breast ovarian cancer syndrome. Last evaluated: 2024-04-01. Review status: criteria provided, single submitter. Criteria: Invitae Variant Classification Sherloc (09022015). Collection method: clinical testing. Allele origin: germline.
Comment: This sequence change replaces glutamic acid, which is acidic and polar, with alanine, which is neutral and non-polar, at codon 100 of the BRCA1 protein (p.Glu100Ala). This variant is not present in population databases (gnomAD no frequency). This variant has not been reported in the literature in individuals affected with BRCA1-related conditions. ClinVar contains an entry for this variant (Variation ID: 920309). An algorithm developed to predict the effect of missense changes on protein structure and function (PolyPhen-2) suggests that this variant is likely to be tolerated. In summary, the available evidence is currently insufficient to determine the role of this variant in disease. Therefore, it has been classified as a Variant of Uncertain Significance.

Color Diagnostics, LLC DBA Color Health
Classification: Uncertain significance for Hereditary cancer-predisposing syndrome. Last evaluated: 2019-09-19. Review status: criteria provided, single submitter. Criteria: ACMG Guidelines, 2015. Collection method: clinical testing. Allele origin: germline.
Comment: This missense variant replaces glutamic acid with alanine at codon 100 of the BRCA1 protein. Computational prediction tool suggests that this variant may not impact protein structure and function (internally defined REVEL score threshold ≤ 0.5, PMID: 27666373). Splice site prediction tools suggest that this variant may not impact RNA splicing. To our knowledge, functional studies have not been performed for this variant. This variant has not been reported in individuals affected with hereditary cancer in the literature. This variant has not been identified in the general population by the Genome Aggregation Database (gnomAD). The available evidence is insufficient to determine the role of this variant in disease conclusively. Therefore, this variant is classified as a Variant of Uncertain Significance.

NM_007294.4(BRCA1):c.299A>C (p.Glu100Ala)

Gene: BRCA1 (BRCA1 DNA repair associated; minus strand). Cytogenetic location: 17q21.31.
Variant type: single nucleotide variant.
Coding change: c.299A>C on transcript NM_007294.4 (MANE Select); coding-DNA position 299, A replaced by C.
Protein change: p.Glu100Ala; replaces glutamic acid 100 with alanine.
Molecular consequence: missense variant. On other transcripts: non-coding transcript variant (1).
Genome position (GRCh38, 1-based): chr17:43,104,870, T>G on the plus strand (A>C on the coding strand, the complement: BRCA1 is on the minus strand). VCF-style: chr17-43104870-T-G. GRCh37 (hg19) VCF-style: chr17-41256887-T-G.
Other names: c.89A>C, p.Glu30Ala (NM_001407571.1, NM_001407853.1, NM_001407879.1 and 58 more transcripts); c.299A>C, p.Glu100Ala (NM_001407581.1, NM_001407582.1, NM_001407583.1 and 165 more transcripts); c.221A>C, p.Glu74Ala (NM_001407653.1, NM_001407654.1, NM_001407655.1 and 21 more transcripts); c.158A>C, p.Glu53Ala (NM_001407692.1, NM_001407694.1, NM_001407695.1 and 99 more transcripts); c.-83A>C (NM_001407959.1, NM_001407960.1, NM_001407962.1 and 4 more transcripts); c.167A>C, p.Glu56Ala (NM_001408451.1); short protein forms E100A, E53A, E30A, E56A, E74A.
Identifiers: ClinVar variation 920309 (VCV000920309.10), dbSNP rs2054670624, ClinGen allele CA10601557.